The following is an entry in ClinVar:

ClinVar aggregate classification (germline): Uncertain significance (1 of 4 stars; one submission).

Conditions:
Usher syndrome type 3B. Also called: USHER SYNDROME, TYPE IIIB. Identifiers: MedGen C3281066, MONDO:0013788, OMIM 614504.

Submission:

Labcorp Genetics (formerly Invitae), Labcorp
Classification: Uncertain significance for Usher syndrome type 3B. Last evaluated: 2018-02-27. Review status: criteria provided, single submitter. Criteria: Invitae Variant Classification Sherloc (09022015). Collection method: clinical testing. Allele origin: germline.
Comment: This variant is an in-frame deletion of the genomic region encompassing exons 6-10 of the HARS gene. It preserves the integrity of the reading frame. This variant has not been reported in the literature in individuals with HARS-related disease. In summary, the available evidence is currently insufficient to determine the role of this variant in disease. Therefore, it has been classified as a Variant of Uncertain Significance.

NC_000005.10:g.(?_140676634)_(140678035_?)del

Gene: HARS1 (histidyl-tRNA synthetase 1; minus strand). Cytogenetic location: 5q31.3.
Variant type: Deletion.
Identifiers: ClinVar variation 583925 (VCV000583925.5).